The following is an entry in ClinVar:

NM_005645.4(TAF13):c.204+1G>T

Gene: TAF13 (TATA-box binding protein associated factor 13; minus strand). Cytogenetic location: 1p13.3.
Variant type: single nucleotide variant.
Coding change: c.204+1G>T on transcript NM_005645.4 (MANE Select); the canonical splice donor site of the intron after coding-DNA position 204, G replaced by T.
Molecular consequence: splice donor variant.
Genome position (GRCh38, 1-based): chr1:109,066,134, C>A on the plus strand (G>T on the coding strand, the complement: TAF13 is on the minus strand). VCF-style: chr1-109066134-C-A. GRCh37 (hg19) VCF-style: chr1-109608756-C-A.
Identifiers: ClinVar variation 1299252 (VCV001299252.1), dbSNP rs2102105455, ClinGen allele CA341467710.

ClinVar aggregate classification (germline): Likely pathogenic (1 of 4 stars; one submission).

Conditions:
Intellectual developmental disorder, autosomal recessive 60. Also called: MENTAL RETARDATION, AUTOSOMAL RECESSIVE 60; Intellectual disability, autosomal recessive 60. Identifiers: MedGen C4479476, MONDO:0044313, OMIM 617432.

gnomAD v4.1: 1 of 1,604,918 alleles (0.000062%); highest among the groups gnomAD compares: Non-Finnish European, 0.000085%; no homozygotes.

Submission:

Breda Genetics srl
Classification: Likely pathogenic for Intellectual developmental disorder, autosomal recessive 60. Last evaluated: 2021-01-14. Review status: criteria provided, single submitter. Criteria: ACMG Guidelines, 2015. Collection method: clinical testing. Allele origin: inherited. Inheritance: Autosomal recessive inheritance. Affected: yes. Observed: 1 variant allele, 1 heterozygote.
Comment: The variant c.204+1G>T in the TAF13 gene affects the donor splice site of intron 3 and is therefore highly likely to impact the splicing process by causing the retention of the following intron and the formation of an aberrant mRNA, which is unlikely to be exported and translated into protein. This variant has not been reported in dbSNP, gnomAD, 1000 Genomes Project or ClinVar.